The following is an entry in ClinVar:

ClinVar aggregate classification (germline): Uncertain significance (1 of 4 stars; one submission).

gnomAD v4.1: 3 of 1,593,532 alleles (0.00019%); highest among the groups gnomAD compares: African/African-American, 0.0013%; no homozygotes.

Submission:

GeneDx
Classification: Uncertain significance. Last evaluated: 2025-04-23. Review status: criteria provided, single submitter. Criteria: GeneDx Variant Classification Process June 2021. Collection method: clinical testing. Allele origin: germline. Affected: yes.
Comment: Not observed at significant frequency in large population cohorts (gnomAD); In silico analysis indicates that this missense variant does not alter protein structure/function; Has not been previously published as pathogenic or benign to our knowledge

NM_002047.4(GARS1):c.67C>T (p.Arg23Trp)

Gene: GARS1 (glycyl-tRNA synthetase 1; plus strand). Cytogenetic location: 7p14.3.
Variant type: single nucleotide variant.
Coding change: c.67C>T on transcript NM_002047.4 (MANE Select); coding-DNA position 67, C replaced by T.
Protein change: p.Arg23Trp; replaces arginine 23 with tryptophan.
Molecular consequence: missense variant. On other transcripts: 5 prime UTR variant (1).
Genome position (GRCh38, 1-based): chr7:30,594,988, C>T. VCF-style: chr7-30594988-C-T. GRCh37 (hg19) VCF-style: chr7-30634604-C-T.
Other names: c.-96C>T (NM_001316772.1); short protein forms R23W.
Identifiers: ClinVar variation 4527395 (VCV004527395.1).